The following is an entry in ClinVar:

NM_032638.5(GATA2):c.1036_1037insCCAGAAGAGCCGGCACCTGTTGTGCAAATTGTCAGACGACAACCACCACCTTATGGCGCCGAGCCG (p.Ala345_Gly346insAlaArgArgAlaGlyThrCysCysAlaAsnCysGlnThrThrThrThrThrLeuTrpArgArgAla)

Gene: GATA2 (GATA binding protein 2; minus strand). Cytogenetic location: 3q21.3.
Variant type: Insertion.
Coding change: c.1036_1037insCCAGAAGAGCCGGCACCTGTTGTGCAAATTGTCAGACGACAACCACCACCTTATGGCGCCGAGCCG on transcript NM_032638.5 (MANE Select); coding-DNA positions 1036 to 1037, CCAGAAGAGCCGGCACCTGTTGTGCAAATTGTCAGACGACAACCACCACCTTATGGCGCCGAGCCG inserted.
Protein change: p.Ala345_Gly346insAlaArgArgAlaGlyThrCysCysAlaAsnCysGlnThrThrThrThrThrLeuTrpArgArgAla.
Molecular consequence: intron variant (on NM_001145662.1).
Genome position: GRCh38: chr3:128,481,931-128,481,932. GRCh37 (hg19): chr3:128,200,774-128,200,775.
Other names: c.1036_1037insCCAGAAGAGCCGGCACCTGTTGTGCAAATTGTCAGACGACAACCACCACCTTATGGCGCCGAGCCG, p.Ala345_Gly346insAlaArgArgAlaGlyThrCysCysAlaAsnCysGlnThrThrThrThrThrLeuTrpArgArgAla (NM_001145661.2); c.1018-24_1018-23insGAGCCGCCAGAAGAGCCGGCACCTGTTGTGCAAATTGTCAGACGACAACCACCACCTTATGGCGCC (NM_001145662.1).
Identifiers: ClinVar variation 5040589 (VCV005040589.1).

ClinVar aggregate classification (germline): Uncertain significance (1 of 4 stars; one submission).

Submission:

CeGaT Center for Human Genetics Tuebingen
Classification: Uncertain significance. Last evaluated: 2026-08-01. Review status: criteria provided, single submitter. Criteria: CeGaT Center For Human Genetics Tuebingen Variant Classification Criteria Version 2. Collection method: clinical testing. Allele origin: germline. Affected: yes. Observed: 1 variant allele.
Comment: GATA2: PM2, PM4